The following is an entry in ClinVar:

NM_001358921.2(COQ2):c.1000A>G (p.Ile334Val)

Gene: COQ2 (coenzyme Q2, polyprenyltransferase; minus strand). Cytogenetic location: 4q21.23.
Variant type: single nucleotide variant.
Coding change: c.1000A>G on transcript NM_001358921.2 (MANE Select); coding-DNA position 1000, A replaced by G.
Protein change: p.Ile334Val; replaces isoleucine 334 with valine.
Molecular consequence: missense variant.
Genome position (GRCh38, 1-based): chr4:83,264,315, T>C on the plus strand (A>G on the coding strand, the complement: COQ2 is on the minus strand). VCF-style: chr4-83264315-T-C. GRCh37 (hg19) VCF-style: chr4-84185468-T-C.
Other names: c.1150A>G, p.Ile384Val (NM_015697.9); short protein forms I334V, I384V.
Identifiers: ClinVar variation 2099025 (VCV002099025.4), dbSNP rs1042165424, ClinGen allele CA357227975.

ClinVar aggregate classification (germline): Uncertain significance (1 of 4 stars; one submission).

gnomAD v4.1: 1 of 1,612,772 alleles (0.000062%); no homozygotes.

Submission:

Labcorp Genetics (formerly Invitae), Labcorp
Classification: Uncertain significance. Last evaluated: 2022-02-28. Review status: criteria provided, single submitter. Criteria: Invitae Variant Classification Sherloc (09022015). Collection method: clinical testing. Allele origin: germline.
Comment: In summary, the available evidence is currently insufficient to determine the role of this variant in disease. Therefore, it has been classified as a Variant of Uncertain Significance. Algorithms developed to predict the effect of missense changes on protein structure and function (SIFT, PolyPhen-2, Align-GVGD) all suggest that this variant is likely to be tolerated. This variant has not been reported in the literature in individuals affected with COQ2-related conditions. This variant is not present in population databases (gnomAD no frequency). This sequence change replaces isoleucine, which is neutral and non-polar, with valine, which is neutral and non-polar, at codon 384 of the COQ2 protein (p.Ile384Val).